The following is an entry in ClinVar:

ClinVar aggregate classification (germline): Conflicting classifications of pathogenicity. Review status: criteria provided, conflicting classifications (1 of 4 stars). 4 submissions from 4 submitters: Uncertain significance (2); Likely benign (2). Last evaluated 2026-08-27.

Conditions:
ADGRV1-related disorder. Also called: ADGRV1-related disorders; ADGRV1-related condition.

Allele frequency attached by ClinVar (database versions not stated): ExAC 0.00003; gnomAD 0.00005 and 0.00006; gnomAD exomes 0.00006 and 0.00013; TOPMed 0.00008.
gnomAD v4.1: 213 of 1,613,594 alleles (0.013%); highest among the groups gnomAD compares: Non-Finnish European, 0.016%; no homozygotes.

Submissions (4):

PreventionGenetics, part of Exact Sciences
Classification: Uncertain significance for ADGRV1-related condition. Last evaluated: 2026-08-27. Review status: criteria provided, single submitter. Criteria: ACMG Guidelines, 2015. Collection method: clinical testing. Allele origin: germline.
Comment: The ADGRV1 c.2185A>G variant is predicted to result in the amino acid substitution p.Ile729Val. To our knowledge, this variant has not been reported in the literature. This variant is reported in 0.013% of alleles in individuals of European (Non-Finnish) descent in gnomAD. At this time, the clinical significance of this variant is uncertain due to the absence of conclusive functional and genetic evidence.

Labcorp Genetics (formerly Invitae), Labcorp
Classification: Likely benign. Last evaluated: 2026-01-28. Review status: criteria provided, single submitter. Criteria: Invitae Variant Classification Sherloc (09022015). Collection method: clinical testing. Allele origin: germline.

GeneDx
Classification: Uncertain significance. Last evaluated: 2025-07-20. Review status: criteria provided, single submitter. Criteria: GeneDx Variant Classification Process June 2021. Collection method: clinical testing. Allele origin: germline. Affected: yes.
Comment: In silico analysis suggests that this missense variant does not alter protein structure/function; This variant is associated with the following publications: (PMID: 22135276)

Blueprint Genetics
Classification: Likely benign. Last evaluated: 2024-05-16. Review status: criteria provided, single submitter. Criteria: ACMG Guidelines, 2015. Collection method: clinical testing. Allele origin: germline.

NM_032119.4(ADGRV1):c.2185A>G (p.Ile729Val)

Gene: ADGRV1 (adhesion G protein-coupled receptor V1; plus strand). Cytogenetic location: 5q14.3.
Variant type: single nucleotide variant.
Coding change: c.2185A>G on transcript NM_032119.4 (MANE Select); coding-DNA position 2185, A replaced by G.
Protein change: p.Ile729Val; replaces isoleucine 729 with valine.
Molecular consequence: missense variant. On other transcripts: non-coding transcript variant (1).
Genome position (GRCh38, 1-based): chr5:90,637,893, A>G. VCF-style: chr5-90637893-A-G. GRCh37 (hg19) VCF-style: chr5-89933710-A-G.
Other names: c.2185A>G (NM_032119.3); short protein forms I729V.
Identifiers: ClinVar variation 998553 (VCV000998553.13), dbSNP rs760206426, ClinGen allele CA3338849.